The following is an entry in ClinVar:

NM_003803.4(MYOM1):c.1738T>C (p.Tyr580His)

Gene: MYOM1 (myomesin 1; minus strand). Cytogenetic location: 18p11.31.
Variant type: single nucleotide variant.
Coding change: c.1738T>C on transcript NM_003803.4 (MANE Select); coding-DNA position 1738, T replaced by C.
Protein change: p.Tyr580His; replaces tyrosine 580 with histidine.
Molecular consequence: missense variant.
Genome position (GRCh38, 1-based): chr18:3,151,799, A>G on the plus strand (T>C on the coding strand, the complement: MYOM1 is on the minus strand). VCF-style: chr18-3151799-A-G. GRCh37 (hg19) VCF-style: chr18-3151797-A-G.
Other names: c.1738T>C, p.Tyr580His (NM_019856.2); short protein forms Y580H.
Identifiers: ClinVar variation 4841428 (VCV004841428.1).

ClinVar aggregate classification (germline): Uncertain significance (1 of 4 stars; one submission).

Submission:

Ambry Genetics
Classification: Uncertain significance. Last evaluated: 2026-01-02. Review status: criteria provided, single submitter. Criteria: Ambry Variant Classification Scheme 2023. Collection method: clinical testing. Allele origin: germline.
Comment: The p.Y580H variant (also known as c.1738T>C), located in coding exon 11 of the MYOM1 gene, results from a T to C substitution at nucleotide position 1738. The tyrosine at codon 580 is replaced by histidine, an amino acid with similar properties. This amino acid position is conserved. In addition, this alteration is predicted to be deleterious by in silico analysis. Based on the available evidence, the clinical significance of this variant remains unclear.